The following is an entry in ClinVar:

NM_153033.5(KCTD7):c.144+4C>G

Genes: KCTD7 (potassium channel tetramerization domain containing 7; plus strand), LOC129998533 (ATAC-STARR-seq lymphoblastoid silent region 18210; plus strand). Cytogenetic location: 7q11.21.
Variant type: single nucleotide variant.
Coding change: c.144+4C>G on transcript NM_153033.5 (MANE Select); 4 bases into the intron after coding-DNA position 144, C replaced by G.
Molecular consequence: intron variant.
Genome position (GRCh38, 1-based): chr7:66,629,212, C>G. VCF-style: chr7-66629212-C-G. GRCh37 (hg19) VCF-style: chr7-66094199-C-G.
Other names: c.144+4C>G (NM_001167961.2).
Identifiers: ClinVar variation 1004579 (VCV001004579.7), dbSNP rs757018925, ClinGen allele CA4278170.

ClinVar aggregate classification (germline): Uncertain significance (1 of 4 stars; one submission).

Conditions:
Progressive myoclonic epilepsy type 3. Also called: EPILEPSY, PROGRESSIVE MYOCLONIC, 3, WITH OR WITHOUT INTRACELLULAR INCLUSIONS; CEROID LIPOFUSCINOSIS, NEURONAL, 14; EPILEPSY, PROGRESSIVE MYOCLONIC, 3, WITHOUT INTRACELLULAR INCLUSIONS; KCTD7-Related Progressive Myoclonic Epilepsy. Identifiers: Orphanet 263516, MedGen C2673257, MONDO:0012721, OMIM 611726.

Allele frequency attached by ClinVar (database versions not stated): ExAC below 0.00001; gnomAD exomes below 0.00001; TOPMed below 0.00001; gnomAD 0.00001.
gnomAD v4.1: 3 of 1,371,098 alleles (0.00022%); highest among the groups gnomAD compares: Non-Finnish European, 0.00028%; no homozygotes.

Submission:

Labcorp Genetics (formerly Invitae), Labcorp
Classification: Uncertain significance for Progressive myoclonic epilepsy type 3. Last evaluated: 2022-10-03. Review status: criteria provided, single submitter. Criteria: Invitae Variant Classification Sherloc (09022015). Collection method: clinical testing. Allele origin: germline.
Comment: In summary, the available evidence is currently insufficient to determine the role of this variant in disease. Therefore, it has been classified as a Variant of Uncertain Significance. Variants that disrupt the consensus splice site are a relatively common cause of aberrant splicing (PMID: 17576681, 9536098). Algorithms developed to predict the effect of sequence changes on RNA splicing suggest that this variant is not likely to affect RNA splicing. ClinVar contains an entry for this variant (Variation ID: 1004579). This variant has not been reported in the literature in individuals affected with KCTD7-related conditions. This variant is not present in population databases (gnomAD no frequency). This sequence change falls in intron 1 of the KCTD7 gene. It does not directly change the encoded amino acid sequence of the KCTD7 protein. It affects a nucleotide within the consensus splice site.

Literature cited by the submitters: PubMed 17576681; PubMed 9536098.